The following is an entry in ClinVar:

NM_001244008.2(KIF1A):c.3330G>A (p.Ala1110=)

Gene: KIF1A (kinesin family member 1A; minus strand). Cytogenetic location: 2q37.3.
Variant type: single nucleotide variant.
Coding change: c.3330G>A on transcript NM_001244008.2 (MANE Select); coding-DNA position 3330, G replaced by A.
Protein change: p.Ala1110=; no amino-acid change (alanine 1110 retained).
Molecular consequence: synonymous variant.
Genome position (GRCh38, 1-based): chr2:240,745,782, C>T on the plus strand (G>A on the coding strand, the complement: KIF1A is on the minus strand). VCF-style: chr2-240745782-C-T. GRCh37 (hg19) VCF-style: chr2-241685199-C-T.
Other names: c.3054G>A, p.Ala1018= (NM_001320705.2, NM_001330289.2, NM_001379638.1); c.3129G>A, p.Ala1043= (NM_001330290.2, NM_001379634.1, NM_001379635.1 and 1 more transcripts); c.3405G>A, p.Ala1135= (NM_001379631.1); c.3279G>A, p.Ala1093= (NM_001379632.1); c.3303G>A, p.Ala1101= (NM_001379633.1, NM_001379642.1, NM_001379645.1); c.3027G>A, p.Ala1009= (NM_001379636.1, NM_001379639.1, NM_001379641.1 and 5 more transcripts); c.3102G>A, p.Ala1034= (NM_001379637.1, NM_001379648.1); c.3024G>A, p.Ala1008= (NM_001379640.1).
Identifiers: ClinVar variation 284013 (VCV000284013.74), dbSNP rs200149062, ClinGen allele CA2207842.

ClinVar aggregate classification (germline): Conflicting classifications of pathogenicity. Review status: criteria provided, conflicting classifications (1 of 4 stars). 12 submissions from 12 submitters: Uncertain significance (2); Benign (1); Likely benign (7). 2 of the submissions do not count toward it. Last evaluated 2026-02-01.

Conditions:
Neuropathy, hereditary sensory, type 2C. Also called: Hereditary sensory and autonomic neuropathy type IIC; KIF1A-Related HSAN2 (HSAN2C). Identifiers: Orphanet 970, MedGen C3280168, MONDO:0013634, OMIM 614213.
Hereditary spastic paraplegia 30. Identifiers: Orphanet 101010, MedGen C5235139, MONDO:0012476.
Intellectual disability, autosomal dominant 9 (NESCAVS). Also called: KIF1A-Related Neurodevelopmental Disorder; NESCAV SYNDROME. Identifiers: Orphanet 662367, MedGen C5393830, MONDO:0013656, OMIM 614255.
Inborn genetic diseases. Identifiers: MedGen C0950123, MeSH D030342.
Hereditary spastic paraplegia. Also called: Familial spastic paraparesis. Identifiers: Orphanet 685, MedGen C0037773, MONDO:0019064. Disease mechanism: loss of function.

Allele frequency attached by ClinVar (database versions not stated): 1000 Genomes Project 0.00020; 1000 Genomes Project 30x 0.00031; gnomAD 0.00045 and 0.00046; TOPMed 0.00048; gnomAD exomes 0.00055 and 0.00090; ESP Exome Variant Server 0.00064; ExAC 0.00065.
gnomAD v4.1: 1,361 of 1,612,872 alleles (0.084%); highest among the groups gnomAD compares: Non-Finnish European, 0.11%; 2 homozygotes.

Submissions (12):

CeGaT Center for Human Genetics Tuebingen
Classification: Likely benign. Last evaluated: 2026-02-01. Review status: criteria provided, single submitter. Criteria: CeGaT Center For Human Genetics Tuebingen Variant Classification Criteria Version 2. Collection method: clinical testing. Allele origin: germline. Affected: yes. Observed: 7 variant alleles.
Comment: KIF1A: BP4, BP7

Labcorp Genetics (formerly Invitae), Labcorp
Classification: Likely benign for Hereditary spastic paraplegia 30; Neuropathy, hereditary sensory, type 2C; Intellectual disability, autosomal dominant 9. Last evaluated: 2026-01-21. Review status: criteria provided, single submitter. Criteria: Invitae Variant Classification Sherloc (09022015). Collection method: clinical testing. Allele origin: germline.

Blueprint Genetics
Classification: Likely benign. Last evaluated: 2024-11-06. Review status: criteria provided, single submitter. Criteria: ACMG Guidelines, 2015. Collection method: clinical testing. Allele origin: germline.

ARUP Laboratories, Molecular Genetics and Genomics, ARUP Laboratories
Classification: Likely benign. Last evaluated: 2023-11-29. Review status: criteria provided, single submitter. Criteria: ARUP Molecular Germline Variant Investigation Process 2024. Collection method: clinical testing. Allele origin: germline.

GeneDx
Classification: Likely benign. Last evaluated: 2020-10-30. Review status: criteria provided, single submitter. Criteria: GeneDx Variant Classification Process June 2021. Collection method: clinical testing. Allele origin: germline. Affected: yes.
Comment: This variant is associated with the following publications: (PMID: 21376300)

Athena Diagnostics
Classification: Benign. Last evaluated: 2020-08-18. Review status: criteria provided, single submitter. Criteria: Athena Diagnostics Criteria. Collection method: clinical testing. Allele origin: unknown.

Genome Diagnostics Laboratory, The Hospital for Sick Children
Classification: Likely benign for Hereditary spastic paraplegia. Last evaluated: 2019-07-01. Review status: criteria provided, single submitter. Criteria: ACMG Guidelines, 2015. Collection method: clinical testing. Allele origin: germline. Affected: yes.

Illumina Laboratory Services, Illumina
Classification: Uncertain significance for Spastic paraplegia 30A, autosomal dominant. Last evaluated: 2018-01-13. Review status: criteria provided, single submitter. Criteria: ICSL Variant Classification Criteria 13 December 2019. Collection method: clinical testing. Allele origin: germline.

Ambry Genetics
Classification: Likely benign for Inborn genetic diseases. Last evaluated: 2016-11-04. Review status: criteria provided, single submitter. Criteria: Ambry Variant Classification Scheme 2023. Collection method: clinical testing. Allele origin: germline.

Eurofins Ntd Llc (ga)
Classification: Uncertain significance. Last evaluated: 2015-10-21. Review status: criteria provided, single submitter. Criteria: EGL Classification Definitions 2015. Collection method: clinical testing. Allele origin: germline. Observed: 1 variant allele, 1 heterozygote.

Clinical Genetics DNA and cytogenetics Diagnostics Lab, Erasmus MC, Erasmus Medical Center
Classification: Likely benign. Review status: no assertion criteria provided. Collection method: clinical testing. Allele origin: germline. Affected: yes. Study: VKGL Data-share Consensus. Not counted in ClinVar's aggregate classification.

Clinical Genetics, Academic Medical Center
Classification: Likely benign. Review status: no assertion criteria provided. Collection method: clinical testing. Allele origin: germline. Affected: yes. Study: VKGL Data-share Consensus. Not counted in ClinVar's aggregate classification.